The following is an entry in ClinVar:

ClinVar aggregate classification (germline): Likely benign. Review status: criteria provided, multiple submitters, no conflicts (2 of 4 stars). 2 submissions from 2 submitters: Likely benign (2). Last evaluated 2024-11-27.

Allele frequency attached by ClinVar (database versions not stated): gnomAD exomes 0.00022 and 0.00078; ExAC 0.00154; gnomAD 0.00234 and 0.00247; TOPMed 0.00277; 1000 Genomes Project 0.00300; 1000 Genomes Project 30x 0.00312.

Submissions (2):

Blueprint Genetics
Classification: Likely benign. Last evaluated: 2024-11-27. Review status: criteria provided, single submitter. Criteria: ACMG Guidelines, 2015. Collection method: clinical testing. Allele origin: germline.

GeneDx
Classification: Likely benign. Last evaluated: 2017-09-14. Review status: criteria provided, single submitter. Criteria: GeneDx Variant Classification (06012015). Collection method: clinical testing. Allele origin: germline. Affected: yes.
Comment: This variant is considered likely benign or benign based on one or more of the following criteria: it is a conservative change, it occurs at a poorly conserved position in the protein, it is predicted to be benign by multiple in silico algorithms, and/or has population frequency not consistent with disease.

NM_198525.3(KIF7):c.-18G>C

Gene: KIF7 (kinesin family member 7; minus strand). Cytogenetic location: 15q26.1.
Variant type: single nucleotide variant.
Coding change: c.-18G>C on transcript NM_198525.3 (MANE Select); 18 bases upstream of the start codon, G replaced by C.
Molecular consequence: 5 prime UTR variant.
Genome position (GRCh38, 1-based): chr15:89,652,948, C>G on the plus strand (G>C on the coding strand, the complement: KIF7 is on the minus strand). VCF-style: chr15-89652948-C-G. GRCh37 (hg19) VCF-style: chr15-90196179-C-G.
Identifiers: ClinVar variation 389646 (VCV000389646.2), dbSNP rs183683671, ClinGen allele CA7728696.
Genomic context (GRCh38, chr15:89,652,948, plus strand): 5'-GGGCCTCCTCAGCCCCTGGCAGCCTCTGAGCCTCCAGCCCCATGCCGAGGGAGGACTGCT[C>G]TGGGCCCTGTGGAGAGAGAGAGAAGCCCTGGCCATCAGCACTTGTACTCCAGGAGCTGGA-3'